The following is an entry in ClinVar:

ClinVar aggregate classification (germline): Uncertain significance. Review status: criteria provided, multiple submitters, no conflicts (2 of 4 stars). 4 submissions from 4 submitters: Uncertain significance (4). Last evaluated 2025-03-03.

Conditions:
Inborn genetic diseases. Identifiers: MedGen C0950123, MeSH D030342.

Allele frequency attached by ClinVar (database versions not stated): gnomAD 0.00008 and 0.00009; 1000 Genomes Project 30x 0.00031; 1000 Genomes Project 0.00040; ExAC 0.00008; ESP Exome Variant Server 0.00008; gnomAD exomes 0.00008 and 0.00015; TOPMed 0.00011.
gnomAD v4.1: 130 of 1,612,396 alleles (0.0081%); highest among the groups gnomAD compares: Admixed American, 0.065%; no homozygotes.

Submissions (4):

Ambry Genetics
Classification: Uncertain significance for Inborn genetic diseases. Last evaluated: 2025-03-03. Review status: criteria provided, single submitter. Criteria: Ambry Variant Classification Scheme 2023. Collection method: clinical testing. Allele origin: germline.

GeneDx
Classification: Uncertain significance. Last evaluated: 2024-12-18. Review status: criteria provided, single submitter. Criteria: GeneDx Variant Classification Process June 2021. Collection method: clinical testing. Allele origin: germline. Affected: yes.
Comment: Reported in a patient with mild intellectual disability and epilepsy with eyelid myoclonia; however, a second CDK5RAP2 variant was not identified (PMID: 37584565); In silico analysis supports that this missense variant has a deleterious effect on protein structure/function; This variant is associated with the following publications: (PMID: 37584565)

Labcorp Genetics (formerly Invitae), Labcorp
Classification: Uncertain significance. Last evaluated: 2022-10-15. Review status: criteria provided, single submitter. Criteria: Invitae Variant Classification Sherloc (09022015). Collection method: clinical testing. Allele origin: germline.
Comment: This sequence change replaces tyrosine, which is neutral and polar, with cysteine, which is neutral and slightly polar, at codon 461 of the CDK5RAP2 protein (p.Tyr461Cys). This variant is present in population databases (rs140513883, gnomAD 0.08%). This variant has not been reported in the literature in individuals affected with CDK5RAP2-related conditions. ClinVar contains an entry for this variant (Variation ID: 434647). Algorithms developed to predict the effect of missense changes on protein structure and function output the following: SIFT: "Deleterious"; PolyPhen-2: "Possibly Damaging"; Align-GVGD: "Class C0". The cysteine amino acid residue is found in multiple mammalian species, which suggests that this missense change does not adversely affect protein function. In summary, the available evidence is currently insufficient to determine the role of this variant in disease. Therefore, it has been classified as a Variant of Uncertain Significance.

Genetic Services Laboratory, University of Chicago
Classification: Uncertain significance. Last evaluated: 2016-10-05. Review status: criteria provided, single submitter. Criteria: ACMG Guidelines, 2015. Collection method: clinical testing. Allele origin: germline. Affected: no.

NM_018249.6(CDK5RAP2):c.1382A>G (p.Tyr461Cys)

Gene: CDK5RAP2 (CDK5 regulatory subunit associated protein 2; minus strand). Cytogenetic location: 9q33.2.
Variant type: single nucleotide variant.
Coding change: c.1382A>G on transcript NM_018249.6 (MANE Select); coding-DNA position 1382, A replaced by G.
Protein change: p.Tyr461Cys; replaces tyrosine 461 with cysteine.
Molecular consequence: missense variant. On other transcripts: non-coding transcript variant (5).
Genome position (GRCh38, 1-based): chr9:120,491,407, T>C on the plus strand (A>G on the coding strand, the complement: CDK5RAP2 is on the minus strand). VCF-style: chr9-120491407-T-C. GRCh37 (hg19) VCF-style: chr9-123253685-T-C.
Other names: c.1382A>G, p.Tyr461Cys (NM_001011649.3, NM_001272039.2); c.1382A>G (NM_018249.4); short protein forms Y461C.
Identifiers: ClinVar variation 434647 (VCV000434647.11), dbSNP rs140513883, ClinGen allele CA5214406.